The following is an entry in ClinVar:

ClinVar aggregate classification (germline): Uncertain significance (1 of 4 stars; one submission).

Conditions:
Hajdu-Cheney syndrome (HJCYS). Also called: SERPENTINE FIBULA-POLYCYSTIC KIDNEY SYNDROME; Acroosteolysis dominant type; ACROOSTEOLYSIS WITH OSTEOPOROSIS AND CHANGES IN SKULL AND MANDIBLE. Identifiers: Orphanet 955, MedGen C0917715, MONDO:0007057, OMIM 102500.

Allele frequency attached by ClinVar (database versions not stated): gnomAD exomes below 0.00001.
gnomAD v4.1: 2 of 1,614,148 alleles (0.00012%); highest among the groups gnomAD compares: Non-Finnish European, 0.00017%; no homozygotes.

Submission:

Labcorp Genetics (formerly Invitae), Labcorp
Classification: Uncertain significance for Hajdu-Cheney syndrome. Last evaluated: 2023-06-25. Review status: criteria provided, single submitter. Criteria: Invitae Variant Classification Sherloc (09022015). Collection method: clinical testing. Allele origin: germline.
Comment: In summary, the available evidence is currently insufficient to determine the role of this variant in disease. Therefore, it has been classified as a Variant of Uncertain Significance. Advanced modeling of protein sequence and biophysical properties (such as structural, functional, and spatial information, amino acid conservation, physicochemical variation, residue mobility, and thermodynamic stability) has been performed at Invitae for this missense variant, however the output from this modeling did not meet the statistical confidence thresholds required to predict the impact of this variant on NOTCH2 protein function. This variant has not been reported in the literature in individuals affected with NOTCH2-related conditions. This variant is not present in population databases (gnomAD no frequency). This sequence change replaces proline, which is neutral and non-polar, with leucine, which is neutral and non-polar, at codon 1195 of the NOTCH2 protein (p.Pro1195Leu).

NM_024408.4(NOTCH2):c.3584C>T (p.Pro1195Leu)

Gene: NOTCH2 (notch receptor 2; minus strand). Cytogenetic location: 1p12.
Variant type: single nucleotide variant.
Coding change: c.3584C>T on transcript NM_024408.4 (MANE Select); coding-DNA position 3584, C replaced by T.
Protein change: p.Pro1195Leu; replaces proline 1195 with leucine.
Molecular consequence: missense variant.
Genome position (GRCh38, 1-based): chr1:119,935,543, G>A on the plus strand (C>T on the coding strand, the complement: NOTCH2 is on the minus strand). VCF-style: chr1-119935543-G-A. GRCh37 (hg19) VCF-style: chr1-120478166-G-A.
Other names: c.3584C>T, p.Pro1195Leu (NM_001200001.2); short protein forms P1195L.
Identifiers: ClinVar variation 3012691 (VCV003012691.3), dbSNP rs2101182698, ClinGen allele CA341851564.